The following is an entry in ClinVar:

ClinVar aggregate classification (germline): Uncertain significance (1 of 4 stars; one submission).

Allele frequency attached by ClinVar (database versions not stated): ExAC 0.00001; gnomAD exomes 0.00001.

Submission:

Laboratory for Molecular Medicine, Mass General Brigham Personalized Medicine
Classification: Uncertain significance. Last evaluated: 2012-09-24. Review status: criteria provided, single submitter. Criteria: LMM Criteria. Collection method: clinical testing. Allele origin: germline. Observed: 1 variant allele.
Comment: The Asp14786Val variant in TTN has not been reported in the literature nor previ ously identified by our laboratory. Computational analyses (biochemical amino ac id properties, conservation, AlignGVGD, PolyPhen2, and SIFT) do not provide stro ng support for or against an impact to the protein. Additional information is ne eded to fully assess the clinical significance of the Asp14786Val variant.

NM_001267550.2(TTN):c.52061A>T (p.Asp17354Val)

Genes: TTN-AS1 (TTN antisense RNA 1; plus strand), TTN (titin; minus strand). Cytogenetic location: 2q31.2.
Variant type: single nucleotide variant.
Coding change: c.52061A>T on transcript NM_001267550.2 (MANE Select); coding-DNA position 52061, A replaced by T.
Protein change: p.Asp17354Val; replaces aspartic acid 17354 with valine.
Molecular consequence: missense variant.
Genome position (GRCh38, 1-based): chr2:178,609,249, T>A on the plus strand (A>T on the coding strand, the complement: TTN is on the minus strand). VCF-style: chr2-178609249-T-A. GRCh37 (hg19) VCF-style: chr2-179473976-T-A.
Other names: c.44357A>T, p.Asp14786Val (NM_133378.4); c.47138A>T, p.Asp15713Val (NM_001256850.1); c.24866A>T, p.Asp8289Val (NM_003319.4); c.25241A>T, p.Asp8414Val (NM_133432.3); c.25442A>T, p.Asp8481Val (NM_133437.4); short protein forms D17354V, D14786V, D8289V, D15713V, D8414V, D8481V.
Identifiers: ClinVar variation 47058 (VCV000047058.5), dbSNP rs397517606, ClinGen allele CA139884.